The following is an entry in ClinVar:

NM_000080.4(CHRNE):c.713G>A (p.Arg238Gln)

Genes: C17orf107 (chromosome 17 open reading frame 107; plus strand), CHRNE (cholinergic receptor nicotinic epsilon subunit; minus strand). Cytogenetic location: 17p13.2.
Variant type: single nucleotide variant.
Coding change: c.713G>A on transcript NM_000080.4 (MANE Select); coding-DNA position 713, G replaced by A.
Protein change: p.Arg238Gln; replaces arginine 238 with glutamine.
Molecular consequence: missense variant. On other transcripts: 3 prime UTR variant (1).
Genome position (GRCh38, 1-based): chr17:4,901,079, C>T on the plus strand (G>A on the coding strand, the complement: CHRNE is on the minus strand). VCF-style: chr17-4901079-C-T. GRCh37 (hg19) VCF-style: chr17-4804374-C-T.
Other names: NM_001145536.2:c.*546C>T; c.*546C>T (NM_001145536.2); c.713G>A (NM_000080.3); short protein forms R238Q.
Identifiers: ClinVar variation 1679849 (VCV001679849.6), dbSNP rs2151097307, ClinGen allele CA397304995.

ClinVar aggregate classification (germline): Conflicting classifications of pathogenicity. Review status: criteria provided, conflicting classifications (1 of 4 stars). 3 submissions from 3 submitters: Likely pathogenic (2); Uncertain significance (1). Last evaluated 2025-09-16.

Conditions:
Congenital myasthenic syndrome 4A. Also called: Myasthenic syndrome, congenital, 4a, slow-channel; MYASTHENIC SYNDROME, CONGENITAL, 4A, SLOW-CHANNEL, AUTOSOMAL RECESSIVE; CONGENITAL MYASTHENIC SYNDROME TYPE Ia1. Identifiers: Orphanet 590, MedGen C4225413, MONDO:0011600, OMIM 605809.
Congenital myasthenic syndrome (CMS). Also called: Congenital Myasthenic Syndromes. Identifiers: Orphanet 590, MedGen C0751882, MeSH D020294, MONDO:0018940.

gnomAD v4.1: 1 of 1,613,912 alleles (0.000062%); highest among the groups gnomAD compares: Non-Finnish European, 0.000085%; no homozygotes.

Submissions (3):

Natera, Inc.
Classification: Likely pathogenic for Congenital myasthenic syndrome. Last evaluated: 2025-09-16. Review status: criteria provided, single submitter. Criteria: Natera Variant Classification Schema (03/2026). Collection method: clinical testing. Allele origin: germline.
Comment: The c.713G>A variant in CHRNE is a missense variant predicted to cause substitution of arginine to glutamine at amino acid 238. This variant is rare in the general population with a frequency below the threshold expected for the associated phenotype(s). This variant has been observed in one or more individuals affected with the associated recessive disease, as either homozygous or compound heterozygous with a second variant (PMID: 37721175). A different variant at the same position has been determined to be Pathogenic or Likely Pathogenic. Computational prediction algorithms indicate this variant is likely to affect gene or protein function. Given the available evidence, this variant is classified as Likely Pathogenic.

Labcorp Genetics (formerly Invitae), Labcorp
Classification: Likely pathogenic for Congenital myasthenic syndrome 4A. Last evaluated: 2023-07-28. Review status: criteria provided, single submitter. Criteria: Invitae Variant Classification Sherloc (09022015). Collection method: clinical testing. Allele origin: germline.
Comment: This variant is not present in population databases (gnomAD no frequency). This sequence change replaces arginine, which is basic and polar, with glutamine, which is neutral and polar, at codon 238 of the CHRNE protein (p.Arg238Gln). This variant has not been reported in the literature in individuals affected with CHRNE-related conditions. ClinVar contains an entry for this variant (Variation ID: 1679849). Advanced modeling of protein sequence and biophysical properties (such as structural, functional, and spatial information, amino acid conservation, physicochemical variation, residue mobility, and thermodynamic stability) performed at Invitae indicates that this missense variant is expected to disrupt CHRNE protein function. This variant disrupts the p.Arg238 amino acid residue in CHRNE. Other variant(s) that disrupt this residue have been determined to be pathogenic (PMID: 29367459; Invitae). This suggests that this residue is clinically significant, and that variants that disrupt this residue are likely to be disease-causing. In summary, the currently available evidence indicates that the variant is pathogenic, but additional data are needed to prove that conclusively. Therefore, this variant has been classified as Likely Pathogenic.

Broad Center for Mendelian Genomics, Broad Institute of MIT and Harvard
Classification: Uncertain significance for Congenital myasthenic syndrome 4A. Last evaluated: 2022-05-04. Review status: criteria provided, single submitter. Criteria: ACMG Guidelines, 2015. Collection method: curation. Allele origin: germline. Inheritance: Autosomal recessive inheritance.
Comment: Computational prediction tools and conservation analyses suggest that this variant may impact the protein, though this information is not predictive enough to determine pathogenicity. In summary, while there is some suspicion for a pathogenic role, the clinical significance of this variant is uncertain. ACMG/AMP Criteria applied: PM2, PP3, PM3_supporting (Richards 2015).

Literature cited by the submitters: PubMed 37721175 (cited by Natera, Inc.); PubMed 29367459 (cited by Labcorp Genetics (formerly Invitae), Labcorp).